The following is an entry in ClinVar:

ClinVar aggregate classification (germline): Likely benign. Review status: criteria provided, single submitter (1 of 4 stars). 2 submissions from 2 submitters: Likely benign (1). 1 of the submissions does not count toward it. Last evaluated 2023-12-25.

Conditions:
KSR2-related disorder. Also called: KSR2-related condition.

Allele frequency attached by ClinVar (database versions not stated): TOPMed 0.00010; ESP Exome Variant Server 0.00016; gnomAD exomes 0.00025; gnomAD 0.00027; ExAC 0.00062.
gnomAD v4.1: 396 of 1,609,016 alleles (0.025%); highest among the groups gnomAD compares: Middle Eastern, 0.049%; no homozygotes.

Submissions (2):

Labcorp Genetics (formerly Invitae), Labcorp
Classification: Likely benign. Last evaluated: 2023-12-25. Review status: criteria provided, single submitter. Criteria: Invitae Variant Classification Sherloc (09022015). Collection method: clinical testing. Allele origin: germline.

PreventionGenetics, part of Exact Sciences
Classification: Likely benign for KSR2-related condition. Last evaluated: 2019-09-13. Review status: no assertion criteria provided. Collection method: clinical testing. Allele origin: germline. Not counted in ClinVar's aggregate classification.
Comment: This variant is classified as likely benign based on ACMG/AMP sequence variant interpretation guidelines (Richards et al. 2015 PMID: 25741868, with internal and published modifications).

NM_173598.6(KSR2):c.2526C>T (p.Pro842=)

Gene: KSR2 (kinase suppressor of ras 2; minus strand). Cytogenetic location: 12q24.22.
Variant type: single nucleotide variant.
Coding change: c.2526C>T on transcript NM_173598.6 (MANE Select); coding-DNA position 2526, C replaced by T.
Protein change: p.Pro842=; no amino-acid change (proline 842 retained).
Molecular consequence: synonymous variant.
Genome position (GRCh38, 1-based): chr12:117,476,520, G>A on the plus strand (C>T on the coding strand, the complement: KSR2 is on the minus strand). VCF-style: chr12-117476520-G-A. GRCh37 (hg19) VCF-style: chr12-117914325-G-A.
Other names: c.2439C>T (NM_173598.4).
Identifiers: ClinVar variation 2746781 (VCV002746781.5), dbSNP rs202148025, ClinGen allele CA6815693.